The following is an entry in ClinVar:

NM_001940.4(ATN1):c.2489A>G (p.Glu830Gly)

Gene: ATN1 (atrophin 1; plus strand). Cytogenetic location: 12p13.31.
Variant type: single nucleotide variant.
Coding change: c.2489A>G on transcript NM_001940.4 (MANE Select); coding-DNA position 2489, A replaced by G.
Protein change: p.Glu830Gly; replaces glutamic acid 830 with glycine.
Molecular consequence: missense variant.
Genome position (GRCh38, 1-based): chr12:6,938,039, A>G. VCF-style: chr12-6938039-A-G. GRCh37 (hg19) VCF-style: chr12-7047202-A-G.
Other names: p.Glu830Gly; c.2489A>G, p.Glu830Gly (NM_001007026.2, NM_001424176.1, NM_001424177.1 and 1 more transcripts); c.2486A>G, p.Glu829Gly (NM_001424179.1, NM_001424180.1); c.2465A>G, p.Glu822Gly (NM_001424182.1); short protein forms E822G, E829G, E830G.
Identifiers: ClinVar variation 3380082 (VCV003380082.1).
Genomic context (GRCh38, chr12:6,938,039, plus strand): 5'-GCGCGCGCGAAGAAAAGGAGCGCGAGCGCGAGCGGGAACGCGAGAAAGAGCGCGAGCGCG[A>G]GAAGGAGCGCGAGCTTGAACGCAGCGTGGTGAGTGCGTCACTGCCTGCGCCACCGCCTTC-3'
Protein context (NP_001931.2, residues 820-840): EREREKERER[Glu830Gly]KERELERSVK

ClinVar aggregate classification (germline): Uncertain significance (1 of 4 stars; one submission).

gnomAD v4.1: 1 of 1,546,364 alleles (0.000065%); highest among the groups gnomAD compares: Non-Finnish European, 0.000087%; no homozygotes.

Submission:

Mayo Clinic Laboratories, Mayo Clinic
Classification: Uncertain significance. Last evaluated: 2024-09-20. Review status: criteria provided, single submitter. Criteria: ACMG Guidelines, 2015. Collection method: clinical testing. Allele origin: germline. Observed: 1 variant allele.
Comment: PM2